The following is an entry in ClinVar:

ClinVar aggregate classification (germline): Uncertain significance (1 of 4 stars; one submission).

Conditions:
DICER1-related tumor predisposition. Also called: DICER1 syndrome; DICER1-related pleuropulmonary blastoma cancer predisposition syndrome. Identifiers: Orphanet 284343, MedGen C3839822, MONDO:0100216.

Allele frequency attached by ClinVar (database versions not stated): gnomAD 0.00001.
gnomAD v4.1: 1 of 1,613,956 alleles (0.000062%); highest among the groups gnomAD compares: African/African-American, 0.0013%; no homozygotes.

Submission:

Labcorp Genetics (formerly Invitae), Labcorp
Classification: Uncertain significance for DICER1-related tumor predisposition. Last evaluated: 2022-04-19. Review status: criteria provided, single submitter. Criteria: Invitae Variant Classification Sherloc (09022015). Collection method: clinical testing. Allele origin: germline.
Comment: This sequence change replaces lysine, which is basic and polar, with arginine, which is basic and polar, at codon 902 of the DICER1 protein (p.Lys902Arg). This variant is present in population databases (no rsID available, gnomAD 0.01%). This variant has not been reported in the literature in individuals affected with DICER1-related conditions. Algorithms developed to predict the effect of missense changes on protein structure and function (SIFT, PolyPhen-2, Align-GVGD) all suggest that this variant is likely to be tolerated. In summary, the available evidence is currently insufficient to determine the role of this variant in disease. Therefore, it has been classified as a Variant of Uncertain Significance.

NM_177438.3(DICER1):c.2705A>G (p.Lys902Arg)

Gene: DICER1 (dicer 1, ribonuclease III; minus strand). Cytogenetic location: 14q32.13.
Variant type: single nucleotide variant.
Coding change: c.2705A>G on transcript NM_177438.3 (MANE Select); coding-DNA position 2705, A replaced by G.
Protein change: p.Lys902Arg; replaces lysine 902 with arginine.
Molecular consequence: missense variant. On other transcripts: non-coding transcript variant (6).
Genome position (GRCh38, 1-based): chr14:95,107,707, T>C on the plus strand (A>G on the coding strand, the complement: DICER1 is on the minus strand). VCF-style: chr14-95107707-T-C. GRCh37 (hg19) VCF-style: chr14-95574044-T-C.
Other names: c.2705A>G, p.Lys902Arg (NM_001195573.1, NM_001271282.3, NM_001291628.2 and 13 more transcripts); c.2423A>G, p.Lys808Arg (NM_001395686.1); c.2300A>G, p.Lys767Arg (NM_001395687.1, NM_001395688.1, NM_001395689.1 and 2 more transcripts); c.2138A>G, p.Lys713Arg (NM_001395691.1); c.1022A>G, p.Lys341Arg (NM_001395697.1); short protein forms K767R, K341R, K713R, K808R, K902R.
Identifiers: ClinVar variation 2109262 (VCV002109262.4), dbSNP rs1377401799, ClinGen allele CA390879618.